The following is an entry in ClinVar:

NM_000059.4(BRCA2):c.7007+2428A>C

Gene: BRCA2 (BRCA2 DNA repair associated; plus strand). Cytogenetic location: 13q13.1.
Variant type: single nucleotide variant.
Coding change: c.7007+2428A>C on transcript NM_000059.4 (MANE Select); 2428 bases into the intron after coding-DNA position 7007, A replaced by C.
Molecular consequence: intron variant.
Genome position (GRCh38, 1-based): chr13:32,349,324, A>C. VCF-style: chr13-32349324-A-C. GRCh37 (hg19) VCF-style: chr13-32923461-A-C.
Other names: IVS 13+2428A>C.
Identifiers: ClinVar variation 209731 (VCV000209731.1), dbSNP rs11571691, ClinGen allele CA276699.

ClinVar aggregate classification (germline): Benign (3 of 4 stars; one submission).

Conditions:
Breast-ovarian cancer, familial, susceptibility to, 2 (BROVCA2). Also called: BRCA2 Hereditary Breast and Ovarian Cancer. Identifiers: Orphanet 145, MedGen C2675520, MONDO:0012933, OMIM 612555. Disease mechanism: loss of function.

Allele frequency attached by ClinVar (database versions not stated): 1000 Genomes Project 0.01717; TOPMed 0.01957; 1000 Genomes Project 30x 0.01968.
gnomAD v4.1: 2,670 of 149,988 alleles (1.8%); highest among the groups gnomAD compares: African/African-American, 4.4%; 58 homozygotes.

Submission:

Evidence-based Network for the Interpretation of Germline Mutant Alleles (ENIGMA)
Classification: Benign for Breast-ovarian cancer, familial 2. Last evaluated: 2015-01-12. Review status: reviewed by expert panel. Criteria: ENIGMA BRCA1/2 Classification Criteria (2015). Collection method: curation. Allele origin: germline.
Comment: Class 1 not pathogenic based on frequency >1% in an outbred sampleset. Frequency 0.05285 (African), 0.01583 (European), derived from 1000 genomes (2012-04-30).